The following is an entry in ClinVar:

ClinVar aggregate classification (germline): Pathogenic (1 of 4 stars; one submission).

Conditions:
Spongy degeneration of central nervous system. Also called: Canavan disease; Von Bogaert-Bertrand disease; ACY2 DEFICIENCY; AMINOACYLASE 2 DEFICIENCY; ASP DEFICIENCY; ASPA DEFICIENCY. Identifiers: Orphanet 141, MedGen C0206307, MONDO:0010079, OMIM 271900.

Submission:

Labcorp Genetics (formerly Invitae), Labcorp
Classification: Pathogenic for Spongy degeneration of central nervous system. Last evaluated: 2023-11-27. Review status: criteria provided, single submitter. Criteria: Invitae Variant Classification Sherloc (09022015). Collection method: clinical testing. Allele origin: unknown.
Comment: This variant is a gross deletion of the genomic region encompassing exon(s) 1-5 of the ASPA gene, which includes the initiator codon. This deletion extends beyond the assayed region for this gene and therefore may encompass additional genes. It is expected to result in an absent or disrupted protein product. Loss-of-function variants in ASPA are known to be pathogenic (PMID: 12638939). This variant has not been reported in the literature in individuals affected with ASPA-related conditions. For these reasons, this variant has been classified as Pathogenic.

Literature cited by the submitters: PubMed 12638939.

NC_000017.10:g.(?_3379454)_(3397773_?)del

Gene: ASPA (aspartoacylase; plus strand). Cytogenetic location: 17p13.2.
Variant type: Deletion.
Identifiers: ClinVar variation 3242933 (VCV003242933.1).